The following is an entry in ClinVar:

NM_001009944.3(PKD1):c.7490-5C>G

Gene: PKD1 (polycystin 1, transient receptor potential channel interacting; minus strand). Cytogenetic location: 16p13.3.
Variant type: single nucleotide variant.
Coding change: c.7490-5C>G on transcript NM_001009944.3 (MANE Select); 5 bases into the intron before coding-DNA position 7490, C replaced by G.
Molecular consequence: intron variant.
Genome position (GRCh38, 1-based): chr16:2,106,309, G>C on the plus strand (C>G on the coding strand, the complement: PKD1 is on the minus strand). VCF-style: chr16-2106309-G-C. GRCh37 (hg19) VCF-style: chr16-2156310-G-C.
Other names: c.7490-5C>G (NM_000296.4).
Identifiers: ClinVar variation 4872460 (VCV004872460.2).

ClinVar aggregate classification (germline): Likely benign (1 of 4 stars; one submission).

gnomAD v4.1: 128 of 1,608,858 alleles (0.008%); highest among the groups gnomAD compares: Non-Finnish European, 0.011%; no homozygotes.

Submission:

CeGaT Center for Human Genetics Tuebingen
Classification: Likely benign. Last evaluated: 2026-06-01. Review status: criteria provided, single submitter. Criteria: CeGaT Center For Human Genetics Tuebingen Variant Classification Criteria Version 2. Collection method: clinical testing. Allele origin: germline. Affected: yes. Observed: 1 variant allele.
Comment: PKD1: BP4